The following is an entry in ClinVar:

NM_001134407.3(GRIN2A):c.2573G>A (p.Gly858Glu)

Gene: GRIN2A (glutamate ionotropic receptor NMDA type subunit 2A; minus strand). Cytogenetic location: 16p13.2.
Variant type: single nucleotide variant.
Coding change: c.2573G>A on transcript NM_001134407.3 (MANE Select); coding-DNA position 2573, G replaced by A.
Protein change: p.Gly858Glu; replaces glycine 858 with glutamic acid.
Molecular consequence: missense variant.
Genome position (GRCh38, 1-based): chr16:9,768,873, C>T on the plus strand (G>A on the coding strand, the complement: GRIN2A is on the minus strand). VCF-style: chr16-9768873-C-T. GRCh37 (hg19) VCF-style: chr16-9862730-C-T.
Other names: c.2573G>A, p.Gly858Glu (NM_000833.5, NM_001134408.2); short protein forms G858E.
Identifiers: ClinVar variation 4883220 (VCV004883220.2).
Genomic context (GRCh38, chr16:9,768,873, plus strand): 5'-GCTTGCAGTGCAAGAAAGTAGCCACCCGGTGTACTGACCCTGCTGATGGAGAAGAGCAAC[C>T]CAGGCCGGTCGGAGCACACGCCCGTGAAACAGAAGCGCAGCTTCCAGTAGAAGAGGTGCT-3'
Protein context (NP_001127879.1, residues 848-868): CFTGVCSDRP[Gly858Glu]LLFSISRGIY

ClinVar aggregate classification (germline): Uncertain significance (1 of 4 stars; one submission).

Submission:

Dasa
Classification: Uncertain significance. Last evaluated: 2026-04-17. Review status: criteria provided, single submitter. Criteria: DASA Assertion Criteria. Collection method: clinical testing. Allele origin: germline.
Comment: NM_001134407.3(GRIN2A):c.2573G>A (p.Gly858Glu) is a missense variant that results in the substitution of glycine with glutamic acid. This variant is rare in population databases. The currently available literature and clinical evidence are not sufficient to establish a definitive association between this variant and the reported condition. Therefore, this variant is classified as a variant of uncertain significance.